The following is an entry in ClinVar:

ClinVar aggregate classification (germline): Uncertain significance (1 of 4 stars; one submission).

Submission:

GeneDx
Classification: Uncertain significance. Last evaluated: 2019-12-18. Review status: criteria provided, single submitter. Criteria: GeneDx Variant Classification Process June 2021. Collection method: clinical testing. Allele origin: germline. Affected: yes.
Comment: Not observed in large population cohorts (Lek et al., 2016); In silico analysis, which includes protein predictors and evolutionary conservation, supports a deleterious effect; Has not been previously published as pathogenic or benign to our knowledge

NM_138927.4(SON):c.2705A>G (p.Asp902Gly)

Gene: SON (SON DNA and RNA binding protein; plus strand). Cytogenetic location: 21q22.11.
Variant type: single nucleotide variant.
Coding change: c.2705A>G on transcript NM_138927.4 (MANE Select); coding-DNA position 2705, A replaced by G.
Protein change: p.Asp902Gly; replaces aspartic acid 902 with glycine.
Molecular consequence: missense variant. On other transcripts: non-coding transcript variant (1), intron variant (1).
Genome position (GRCh38, 1-based): chr21:33,551,936, A>G. VCF-style: chr21-33551936-A-G. GRCh37 (hg19) VCF-style: chr21-34924242-A-G.
Other names: c.2705A>G, p.Asp902Gly (NM_001291411.2, NM_032195.3); c.245-5220A>G (NM_001291412.3); short protein forms D902G.
Identifiers: ClinVar variation 1310473 (VCV001310473.2), dbSNP rs2145825356, ClinGen allele CA410158577.